The following is an entry in ClinVar:

ClinVar aggregate classification (germline): Uncertain significance (1 of 4 stars; one submission).

Conditions:
Ichthyosis linearis circumflexa. Identifiers: MedGen C0265962, MONDO:0043106, HP:0025810.

Allele frequency attached by ClinVar (database versions not stated): ExAC 0.00001.

Submission:

Labcorp Genetics (formerly Invitae), Labcorp
Classification: Uncertain significance for Ichthyosis linearis circumflexa. Last evaluated: 2025-06-23. Review status: criteria provided, single submitter. Criteria: Invitae Variant Classification Sherloc (09022015). Collection method: clinical testing. Allele origin: germline.
Comment: This sequence change replaces threonine, which is neutral and polar, with isoleucine, which is neutral and non-polar, at codon 773 of the SPINK5 protein (p.Thr773Ile). This variant is present in population databases (rs776588021, gnomAD 0.002%). This variant has not been reported in the literature in individuals affected with SPINK5-related conditions. ClinVar contains an entry for this variant (Variation ID: 1926767). Invitae Evidence Modeling of protein sequence and biophysical properties (such as structural, functional, and spatial information, amino acid conservation, physicochemical variation, residue mobility, and thermodynamic stability) indicates that this missense variant is not expected to disrupt SPINK5 protein function with a negative predictive value of 80%. In summary, the available evidence is currently insufficient to determine the role of this variant in disease. Therefore, it has been classified as a Variant of Uncertain Significance.

NM_006846.4(SPINK5):c.2318C>T (p.Thr773Ile)

Gene: SPINK5 (serine peptidase inhibitor Kazal type 5; plus strand). Cytogenetic location: 5q32.
Variant type: single nucleotide variant.
Coding change: c.2318C>T on transcript NM_006846.4 (MANE Select); coding-DNA position 2318, C replaced by T.
Protein change: p.Thr773Ile; replaces threonine 773 with isoleucine.
Molecular consequence: missense variant.
Genome position (GRCh38, 1-based): chr5:148,120,013, C>T. VCF-style: chr5-148120013-C-T. GRCh37 (hg19) VCF-style: chr5-147499576-C-T.
Other names: c.2318C>T, p.Thr773Ile (NM_001127698.2, NM_001127699.2); short protein forms T773I.
Identifiers: ClinVar variation 1926767 (VCV001926767.5), dbSNP rs776588021, ClinGen allele CA3495961.